The following is an entry in ClinVar:

ClinVar aggregate classification (germline): Pathogenic (1 of 4 stars; one submission).

Conditions:
Myopathy caused by variation in POMGNT1. Identifiers: MedGen CN305639, MONDO:0700068.

Submission:

Myriad Genetics, Inc.
Classification: Pathogenic for Myopathy caused by variation in POMGNT1. Last evaluated: 2023-09-27. Review status: criteria provided, single submitter. Criteria: Myriad Autosomal Dominant, Autosomal Recessive and X-Linked Classification Criteria (2023). Collection method: clinical testing. Allele origin: unknown.
Comment: NM_017739.3(POMGNT1):c.507dupC(G170Rfs*11) is expected to be pathogenic in the context of POMGNT1-related disorders. This variant is predicted to lead to an abnormal or absent protein product due to the creation of a premature termination codon in POMGNT1, a gene where loss-of-function variants are known to be pathogenic. Please note: this variant was assessed in the context of healthy population screening.

NM_017739.4(POMGNT1):c.507dup (p.Gly170fs)

Genes: POMGNT1 (protein O-linked mannose N-acetylglucosaminyltransferase 1 (beta 1,2-); minus strand), TSPAN1 (tetraspanin 1; plus strand). Cytogenetic location: 1p34.1.
Variant type: Duplication.
Coding change: c.507dup on transcript NM_017739.4 (MANE Select); coding-DNA position 507, one base duplicated (C; older notation c.507dupC).
Protein change: p.Gly170fs; shifts the reading frame from glycine 170.
Molecular consequence: frameshift variant.
Genome position (GRCh38, 1-based): chr1:46,195,838, G duplicated on the plus strand (C on the coding strand, the reverse complement: POMGNT1 is on the minus strand); the first of 3 consecutive G bases (chr1:46,195,838-46,195,840); duplicating any one gives the same sequence. VCF-style (leftmost placement, unchanged base first): chr1-46195837-C-CG. GRCh37 (hg19) VCF-style: chr1-46661509-C-CG.
Other names: c.507dup, p.Gly170fs (NM_001243766.2, NM_001410783.1, NM_001437653.1 and 3 more transcripts); c.441dup, p.Gly148fs (NM_001290129.3, NM_001438691.1, NM_001438692.1); c.78dup, p.Gly27fs (NM_001290130.2); short protein forms G148fs, G170fs, G27fs.
Identifiers: ClinVar variation 5011915 (VCV005011915.1).
Genomic context (GRCh38, chr1:46,195,837, plus strand): 5'-GAGTAGGGGTCAGGGTCAGGACAGAATAACTGACCTTGACAGTGCAGATGAGCACTCGGC[C>CG]GGGCGCTACCATGTTGAGGAATAGCACCATGGCCTCATCCTCATGAGGTGAGTACGTGTC-3'